The following is an entry in ClinVar:

ClinVar aggregate classification (germline): Uncertain significance. Review status: criteria provided, multiple submitters, no conflicts (2 of 4 stars). 2 submissions from 2 submitters: Uncertain significance (2). Last evaluated 2024-10-14.

Conditions:
Multiple endocrine neoplasia, type 1 (MEN1). Also called: MEN I; WERMER SYNDROME; Endocrine adenomatosis multiple; MEN 1; MEA I. Identifiers: Orphanet 652, MedGen C0025267, MeSH D018761, MONDO:0007540, OMIM 131100.
Hereditary cancer-predisposing syndrome. Also called: Tumor predisposition; Hereditary neoplastic syndrome; Neoplastic Syndromes, Hereditary; Hereditary Cancer Syndrome. Identifiers: Orphanet 140162, MedGen C0027672, MeSH D009386, MONDO:0015356.

Allele frequency attached by ClinVar (database versions not stated): gnomAD exomes below 0.00001; ExAC 0.00001.

Submissions (2):

Ambry Genetics
Classification: Uncertain significance for Hereditary cancer-predisposing syndrome. Last evaluated: 2024-10-14. Review status: criteria provided, single submitter. Criteria: Ambry Variant Classification Scheme 2023. Collection method: clinical testing. Allele origin: germline.
Comment: The p.P291R variant (also known as c.872C>G), located in coding exon 5 of the MEN1 gene, results from a C to G substitution at nucleotide position 872. The proline at codon 291 is replaced by arginine, an amino acid with dissimilar properties. This amino acid position is conserved. In addition, the in silico prediction for this alteration is inconclusive. Since supporting evidence is limited at this time, the clinical significance of this alteration remains unclear.

Labcorp Genetics (formerly Invitae), Labcorp
Classification: Uncertain significance for Multiple endocrine neoplasia, type 1. Last evaluated: 2021-08-19. Review status: criteria provided, single submitter. Criteria: Invitae Variant Classification Sherloc (09022015). Collection method: clinical testing. Allele origin: germline.
Comment: In summary, the available evidence is currently insufficient to determine the role of this variant in disease. Therefore, it has been classified as a Variant of Uncertain Significance. Advanced modeling of protein sequence and biophysical properties (such as structural, functional, and spatial information, amino acid conservation, physicochemical variation, residue mobility, and thermodynamic stability) performed at Invitae indicates that this missense variant is expected to disrupt MEN1 protein function. This variant has not been reported in the literature in individuals affected with MEN1-related conditions. This variant is present in population databases (rs745857419, ExAC 0.01%). This sequence change replaces proline with arginine at codon 291 of the MEN1 protein (p.Pro291Arg). The proline residue is highly conserved and there is a moderate physicochemical difference between proline and arginine.

NM_001370259.2(MEN1):c.872C>G (p.Pro291Arg)

Gene: MEN1 (menin 1; minus strand). Cytogenetic location: 11q13.1.
Variant type: single nucleotide variant.
Coding change: c.872C>G on transcript NM_001370259.2 (MANE Select); coding-DNA position 872, C replaced by G.
Protein change: p.Pro291Arg; replaces proline 291 with arginine.
Molecular consequence: missense variant.
Genome position (GRCh38, 1-based): chr11:64,807,051, G>C on the plus strand (C>G on the coding strand, the complement: MEN1 is on the minus strand). VCF-style: chr11-64807051-G-C. GRCh37 (hg19) VCF-style: chr11-64574523-G-C.
Other names: c.887C>G, p.Pro296Arg (NM_000244.4, NM_130800.3, NM_130801.3 and 3 more transcripts); c.767C>G, p.Pro256Arg (NM_001370262.2, NM_001370263.2); c.872C>G, p.Pro291Arg (NM_130799.3, NM_001370251.2, NM_001370260.2 and 1 more transcripts); short protein forms P256R, P296R, P291R.
Identifiers: ClinVar variation 1376155 (VCV001376155.9), dbSNP rs745857419, ClinGen allele CA061734.
Genomic context (GRCh38, chr11:64,807,051, plus strand): 5'-CCCTCCTTAGATGCCCCCACCTTGTGGTAGAGGGTGAGTGGGTCTGGCCGGCCAGGGGTG[G>C]GCTCCAGCTCCTCTAGATCTGCCAGGTTCCCTAAGGCCATGGGGTACCTAGGAAAGGATC-3'
Protein context (NP_001357188.2, residues 281-301): GNLADLEELE[Pro291Arg]TPGRPDPLTL